The following is an entry in ClinVar:

ClinVar aggregate classification (germline): Uncertain significance (1 of 4 stars; one submission).

Conditions:
Inborn genetic diseases. Identifiers: MedGen C0950123, MeSH D030342.

gnomAD v4.1: 6 of 1,611,974 alleles (0.00037%); highest among the groups gnomAD compares: Non-Finnish European, 0.00051%; no homozygotes.

Submission:

Ambry Genetics
Classification: Uncertain significance for Inborn genetic diseases. Last evaluated: 2026-05-14. Review status: criteria provided, single submitter. Criteria: Ambry Variant Classification Scheme 2023. Collection method: clinical testing. Allele origin: germline.
Comment: The p.R1492G variant (also known as c.4474A>G), located in coding exon 17 of the FANCM gene, results from an A to G substitution at nucleotide position 4474. The arginine at codon 1492 is replaced by glycine, an amino acid with dissimilar properties. This amino acid position is conserved. In addition, this alteration is predicted to be tolerated by in silico analysis. Based on the available evidence, the clinical significance of this variant remains unclear.

NM_020937.4(FANCM):c.4474A>G (p.Arg1492Gly)

Gene: FANCM (FA complementation group M; plus strand). Cytogenetic location: 14q21.2.
Variant type: single nucleotide variant.
Coding change: c.4474A>G on transcript NM_020937.4 (MANE Select); coding-DNA position 4474, A replaced by G.
Protein change: p.Arg1492Gly; replaces arginine 1492 with glycine.
Molecular consequence: missense variant.
Genome position (GRCh38, 1-based): chr14:45,183,861, A>G. VCF-style: chr14-45183861-A-G. GRCh37 (hg19) VCF-style: chr14-45653064-A-G.
Other names: c.4396A>G, p.Arg1466Gly (NM_001308133.2); short protein forms R1466G, R1492G.
Identifiers: ClinVar variation 4871130 (VCV004871130.1).
Genomic context (GRCh38, chr14:45,183,861, plus strand): 5'-GAGAATTTTCCCAAACCATGTTCACAATTAGAAGACTTCAAGGTTTGTAACGGGAATGCC[A>G]GAAGAGGCATCAAAGTCCCAAAGAGACAGAGTCACTTAAAGGTAATCTTTTTTTTAGTTT-3'
Protein context (NP_065988.1, residues 1482-1502): EDFKVCNGNA[Arg1492Gly]RGIKVPKRQS